The following is an entry in ClinVar:

ClinVar aggregate classification (germline): Uncertain significance (1 of 4 stars; one submission).

Conditions:
Developmental and epileptic encephalopathy, 12 (DEE12). Identifiers: MedGen C3150988, MONDO:0013389, OMIM 613722.

Submission:

Labcorp Genetics (formerly Invitae), Labcorp
Classification: Uncertain significance for Developmental and epileptic encephalopathy, 12. Last evaluated: 2023-10-03. Review status: criteria provided, single submitter. Criteria: Invitae Variant Classification Sherloc (09022015). Collection method: clinical testing. Allele origin: germline.
Comment: This sequence change replaces leucine, which is neutral and non-polar, with proline, which is neutral and non-polar, at codon 329 of the PNKP protein (p.Leu329Pro). This variant is not present in population databases (gnomAD no frequency). This variant has not been reported in the literature in individuals affected with PNKP-related conditions. ClinVar contains an entry for this variant (Variation ID: 1366174). Advanced modeling of protein sequence and biophysical properties (such as structural, functional, and spatial information, amino acid conservation, physicochemical variation, residue mobility, and thermodynamic stability) performed at Invitae indicates that this missense variant is expected to disrupt PNKP protein function. In summary, the available evidence is currently insufficient to determine the role of this variant in disease. Therefore, it has been classified as a Variant of Uncertain Significance.

NM_007254.4(PNKP):c.986T>C (p.Leu329Pro)

Gene: PNKP (polynucleotide kinase 3'-phosphatase; minus strand). Cytogenetic location: 19q13.33.
Variant type: single nucleotide variant.
Coding change: c.986T>C on transcript NM_007254.4 (MANE Select); coding-DNA position 986, T replaced by C.
Protein change: p.Leu329Pro; replaces leucine 329 with proline.
Molecular consequence: missense variant.
Genome position (GRCh38, 1-based): chr19:49,862,414, A>G on the plus strand (T>C on the coding strand, the complement: PNKP is on the minus strand). VCF-style: chr19-49862414-A-G. GRCh37 (hg19) VCF-style: chr19-50365671-A-G.
Other names: short protein forms L329P.
Identifiers: ClinVar variation 1366174 (VCV001366174.8), dbSNP rs2074781406, ClinGen allele CA406881031.